The following is an entry in ClinVar:

ClinVar aggregate classification (germline): Uncertain significance (1 of 4 stars; one submission).

Conditions:
TTN-related disorder. Also called: TTN-related condition; TTN-related disease; TTN-related disorders.

Allele frequency attached by ClinVar (database versions not stated): TOPMed 0.00001.
gnomAD v4.1: 2 of 1,613,564 alleles (0.00012%); highest among the groups gnomAD compares: Non-Finnish European, 0.000085%; no homozygotes.

Submission:

PreventionGenetics, part of Exact Sciences
Classification: Uncertain significance for TTN-related condition. Last evaluated: 2023-06-02. Review status: criteria provided, single submitter. Criteria: ACMG Guidelines, 2015. Collection method: clinical testing. Allele origin: germline.
Comment: The TTN c.79891G>A variant is predicted to result in the amino acid substitution p.Gly26631Ser. To our knowledge, this variant has not been reported in the literature or in a large population database, indicating this variant is rare. At this time, the clinical significance of this variant is uncertain due to the absence of conclusive functional and genetic evidence.

NM_001267550.2(TTN):c.79891G>A (p.Gly26631Ser)

Genes: TTN (titin; minus strand), TTN-AS1 (TTN antisense RNA 1; plus strand). Cytogenetic location: 2q31.2.
Variant type: single nucleotide variant.
Coding change: c.79891G>A on transcript NM_001267550.2 (MANE Select); coding-DNA position 79891, G replaced by A.
Protein change: p.Gly26631Ser; replaces glycine 26631 with serine.
Molecular consequence: missense variant.
Genome position (GRCh38, 1-based): chr2:178,566,241, C>T on the plus strand (G>A on the coding strand, the complement: TTN is on the minus strand). VCF-style: chr2-178566241-C-T. GRCh37 (hg19) VCF-style: chr2-179430968-C-T.
Other names: c.74968G>A, p.Gly24990Ser (NM_001256850.1); c.52696G>A, p.Gly17566Ser (NM_003319.4); c.72187G>A, p.Gly24063Ser (NM_133378.4); c.53071G>A, p.Gly17691Ser (NM_133432.3); c.53272G>A, p.Gly17758Ser (NM_133437.4); short protein forms G17566S, G17691S, G17758S, G24063S, G24990S, G26631S.
Identifiers: ClinVar variation 2633215 (VCV002633215.1), dbSNP rs1705788431, ClinGen allele CA349593073.